The following is an entry in ClinVar:

NM_000057.4(BLM):c.1722_1724delinsTAA (p.Leu574_Ala575delinsPheLys)

Gene: BLM (BLM RecQ like helicase; plus strand). Cytogenetic location: 15q26.1.
Variant type: Indel.
Coding change: c.1722_1724delinsTAA on transcript NM_000057.4 (MANE Select); coding-DNA positions 1722 to 1724, AGC replaced by TAA.
Protein change: p.Leu574_Ala575delinsPheLys.
Molecular consequence: missense variant.
Genome position (GRCh38, 1-based): chr15:90,761,095-90,761,097, AGC replaced by TAA. VCF-style: chr15-90761095-AGC-TAA. GRCh37 (hg19) VCF-style: chr15-91304325-AGC-TAA.
Other names: c.1722_1724delinsTAA, p.Leu574_Ala575delinsPheLys (NM_001287246.2, NM_001287247.2); c.597_599delinsTAA, p.Leu199_Ala200delinsPheLys (NM_001287248.2).
Identifiers: ClinVar variation 133712 (VCV000133712.1), dbSNP rs587778107, ClinGen allele CA157439.

ClinVar aggregate classification (germline): not provided (0 of 4 stars; one submission).

Submission:

ITMI
No classification provided. Condition: AllHighlyPenetrant. Last evaluated: 2013-09-19. Review status: no classification provided. Collection method: reference population. Allele origin: germline.
Comment: Please see associated publication for description of ethnicities

Literature cited by the submitters: PubMed 24728327.